The following is an entry in ClinVar:

NM_000308.4(CTSA):c.1306C>T (p.Gln436Ter)

Gene: CTSA (cathepsin A; plus strand). Cytogenetic location: 20q13.12.
Variant type: single nucleotide variant.
Coding change: c.1306C>T on transcript NM_000308.4 (MANE Select); coding-DNA position 1306, C replaced by T.
Protein change: p.Gln436Ter; replaces glutamine 436 with a stop codon.
Molecular consequence: nonsense. On other transcripts: non-coding transcript variant (1).
Genome position (GRCh38, 1-based): chr20:45,898,056, C>T. VCF-style: chr20-45898056-C-T. GRCh37 (hg19) VCF-style: chr20-44526695-C-T.
Other names: c.1306C>T, p.Gln436Ter (NM_001127695.3); c.1255C>T, p.Gln419Ter (NM_001167594.3); short protein forms Q436*, Q419*.
Identifiers: ClinVar variation 1162857 (VCV001162857.8), dbSNP rs2145824370, ClinGen allele CA409254324.

ClinVar aggregate classification (germline): Conflicting classifications of pathogenicity. Review status: criteria provided, conflicting classifications (1 of 4 stars). 2 submissions from 2 submitters: Pathogenic (1); Uncertain significance (1). Last evaluated 2024-02-10.

Conditions:
Combined deficiency of sialidase AND beta galactosidase (GSL). Also called: CATHEPSIN A DEFICIENCY; GOLDBERG SYNDROME; NEURAMINIDASE DEFICIENCY WITH BETA-GALACTOSIDASE DEFICIENCY; NEURAMINIDASE/BETA-GALACTOSIDASE EXPRESSION; PPCA DEFICIENCY; PROTECTIVE PROTEIN/CATHEPSIN A DEFICIENCY. Identifiers: Orphanet 351, MedGen C0268233, MONDO:0009737, OMIM 256540.

Allele frequency attached by ClinVar (database versions not stated): gnomAD exomes below 0.00001.

Submissions (2):

Labcorp Genetics (formerly Invitae), Labcorp
Classification: Pathogenic for Combined deficiency of sialidase AND beta galactosidase. Last evaluated: 2024-02-10. Review status: criteria provided, single submitter. Criteria: Invitae Variant Classification Sherloc (09022015). Collection method: clinical testing. Allele origin: germline.
Comment: This sequence change creates a premature translational stop signal (p.Gln454*) in the CTSA gene. It is expected to result in an absent or disrupted protein product. Loss-of-function variants in CTSA are known to be pathogenic (PMID: 15110321, 23915561). This variant is not present in population databases (gnomAD no frequency). This variant has not been reported in the literature in individuals affected with CTSA-related conditions. ClinVar contains an entry for this variant (Variation ID: 1162857). For these reasons, this variant has been classified as Pathogenic.

Mayo Clinic Laboratories, Mayo Clinic
Classification: Uncertain significance. Last evaluated: 2020-02-13. Review status: criteria provided, single submitter. Criteria: ACMG Guidelines, 2015. Collection method: clinical testing. Allele origin: germline. Observed: 1 variant allele.

Literature cited by the submitters: PubMed 15110321 (cited by Labcorp Genetics (formerly Invitae), Labcorp); PubMed 23915561 (cited by Labcorp Genetics (formerly Invitae), Labcorp).